The following is an entry in ClinVar:

NM_080732.4(EGLN2):c.80C>G (p.Pro27Arg)

Genes: EGLN2 (egl-9 family hypoxia inducible factor 2; plus strand), RAB4B-EGLN2 (RAB4B-EGLN2 readthrough (NMD candidate); plus strand). Cytogenetic location: 19q13.2.
Variant type: single nucleotide variant.
Coding change: c.80C>G on transcript NM_080732.4 (MANE Select); coding-DNA position 80, C replaced by G.
Protein change: p.Pro27Arg; replaces proline 27 with arginine.
Molecular consequence: missense variant. On other transcripts: non-coding transcript variant (1).
Genome position (GRCh38, 1-based): chr19:40,800,652, C>G. VCF-style: chr19-40800652-C-G. GRCh37 (hg19) VCF-style: chr19-41306557-C-G.
Other names: c.80C>G, p.Pro27Arg (NM_053046.4); short protein forms P27R.
Identifiers: ClinVar variation 3274828 (VCV003274828.1).

ClinVar aggregate classification (germline): Uncertain significance (1 of 4 stars; one submission).

gnomAD v4.1: 1 of 1,613,894 alleles (0.000062%); highest among the groups gnomAD compares: Admixed American, 0.0017%; no homozygotes.

Submission:

Ambry Genetics
Classification: Uncertain significance. Last evaluated: 2024-05-26. Review status: criteria provided, single submitter. Criteria: Ambry Variant Classification Scheme 2023. Collection method: clinical testing. Allele origin: germline.
Comment: The p.P27R variant (also known as c.80C>G), located in coding exon 1 of the EGLN2 gene, results from a C to G substitution at nucleotide position 80. The proline at codon 27 is replaced by arginine, an amino acid with dissimilar properties. This amino acid position is conserved. In addition, this alteration is predicted to be tolerated by in silico analysis. Based on the available evidence, the clinical significance of this variant remains unclear.